The following is an entry in ClinVar:

NM_003742.4(ABCB11):c.3548T>C (p.Ile1183Thr)

Gene: ABCB11 (ATP binding cassette subfamily B member 11; minus strand). Cytogenetic location: 2q31.1.
Variant type: single nucleotide variant.
Coding change: c.3548T>C on transcript NM_003742.4 (MANE Select); coding-DNA position 3548, T replaced by C.
Protein change: p.Ile1183Thr; replaces isoleucine 1183 with threonine.
Molecular consequence: missense variant.
Genome position (GRCh38, 1-based): chr2:168,927,226, A>G on the plus strand (T>C on the coding strand, the complement: ABCB11 is on the minus strand). VCF-style: chr2-168927226-A-G. GRCh37 (hg19) VCF-style: chr2-169783736-A-G.
Other names: p.Ile1183Thr; c.3548T>C, p.Ile1183Thr (LRG_1199t1); short protein forms I1183T.
Identifiers: ClinVar variation 287362 (VCV000287362.25), dbSNP rs143484849, ClinGen allele CA1950994.

ClinVar aggregate classification (germline): Conflicting classifications of pathogenicity. Review status: criteria provided, conflicting classifications (1 of 4 stars). 6 submissions from 6 submitters: Uncertain significance (3); Benign (1); Likely benign (1). 1 of the submissions does not count toward it. Last evaluated 2026-04-14.

Conditions:
ABCB11-related disorder. Also called: ABCB11-related condition.
Familial intrahepatic cholestasis. Identifiers: Orphanet 284385, MedGen CN296401, MONDO:0017290.

Allele frequency attached by ClinVar (database versions not stated): gnomAD exomes 0.00010 and 0.00030; ExAC 0.00036; ESP Exome Variant Server 0.00083; gnomAD 0.00116; TOPMed 0.00123; 1000 Genomes Project 30x 0.00203; 1000 Genomes Project 0.00240.
gnomAD v4.1: 355 of 1,613,846 alleles (0.022%); highest among the groups gnomAD compares: African/African-American, 0.38%; 1 homozygote.

Submissions (6):

Genomenon, Inc
Classification: Likely benign for Familial intrahepatic cholestasis. Last evaluated: 2026-04-14. Review status: criteria provided, single submitter. Criteria: Genomenon Sequence Variant Interpretation Standards - Updated. Collection method: curation. Allele origin: germline. Affected: no.
Comment: ABCB11 p.Ile1183Thr (c.3548T>C) is a missense variant that changes the amino acid at residue 1183 from Isoleucine to Threonine. This variant has been reported in the published literature (PMID:22795478). This variant's allele frequency in gnomAD is greater than expected for this disorder. In conclusion, we classify ABCB11 p.Ile1183Thr (c.3548T>C) as a likely benign variant.

Labcorp Genetics (formerly Invitae), Labcorp
Classification: Benign. Last evaluated: 2026-01-24. Review status: criteria provided, single submitter. Criteria: Invitae Variant Classification Sherloc (09022015). Collection method: clinical testing. Allele origin: germline.

GeneDx
Classification: Uncertain significance. Last evaluated: 2025-12-03. Review status: criteria provided, single submitter. Criteria: GeneDx Variant Classification Process June 2021. Collection method: clinical testing. Allele origin: germline. Affected: yes.
Comment: In silico analysis supports that this missense variant has a deleterious effect on protein structure/function; Has not been previously published as pathogenic or benign to our knowledge; This variant is associated with the following publications: (PMID: 22795478)

Mayo Clinic Laboratories, Mayo Clinic
Classification: Uncertain significance. Last evaluated: 2021-10-25. Review status: criteria provided, single submitter. Criteria: ACMG Guidelines, 2015. Collection method: clinical testing. Allele origin: germline.

Eurofins Ntd Llc (ga)
Classification: Uncertain significance. Last evaluated: 2017-12-07. Review status: criteria provided, single submitter. Criteria: EGL Classification Definitions 2015. Collection method: clinical testing. Allele origin: germline. Observed: 9 variant alleles, 9 heterozygotes.

PreventionGenetics, part of Exact Sciences
Classification: Likely benign for ABCB11-related condition. Last evaluated: 2022-05-16. Review status: no assertion criteria provided. Collection method: clinical testing. Allele origin: germline. Not counted in ClinVar's aggregate classification.
Comment: This variant is classified as likely benign based on ACMG/AMP sequence variant interpretation guidelines (Richards et al. 2015 PMID: 25741868, with internal and published modifications).

Literature cited by the submitters: PubMed 22795478 (cited by Genomenon, Inc).